The following is an entry in ClinVar:

NM_021930.6(RINT1):c.1637T>C (p.Ile546Thr)

Gene: RINT1 (RAD50 interactor 1; plus strand). Cytogenetic location: 7q22.3.
Variant type: single nucleotide variant.
Coding change: c.1637T>C on transcript NM_021930.6 (MANE Select); coding-DNA position 1637, T replaced by C.
Protein change: p.Ile546Thr; replaces isoleucine 546 with threonine.
Molecular consequence: missense variant.
Genome position (GRCh38, 1-based): chr7:105,555,193, T>C. VCF-style: chr7-105555193-T-C. GRCh37 (hg19) VCF-style: chr7-105195640-T-C.
Other names: c.1403T>C, p.Ile468Thr (NM_001346599.2); c.614T>C, p.Ile205Thr (NM_001346600.2, NM_001346603.2); c.713T>C, p.Ile238Thr (NM_001346601.2); short protein forms I205T, I468T, I238T, I546T.
Identifiers: ClinVar variation 1776953 (VCV001776953.3), dbSNP rs1025431730, ClinGen allele CA164060466.

ClinVar aggregate classification (germline): Uncertain significance (1 of 4 stars; one submission).

Allele frequency attached by ClinVar (database versions not stated): gnomAD exomes below 0.00001; TOPMed 0.00001.
gnomAD v4.1: 2 of 1,614,060 alleles (0.00012%); highest among the groups gnomAD compares: African/African-American, 0.0027%; no homozygotes.

Submission:

Ambry Genetics
Classification: Uncertain significance. Last evaluated: 2024-08-09. Review status: criteria provided, single submitter. Criteria: Ambry Variant Classification Scheme 2023. Collection method: clinical testing. Allele origin: germline.
Comment: The p.I546T variant (also known as c.1637T>C), located in coding exon 11 of the RINT1 gene, results from a T to C substitution at nucleotide position 1637. The isoleucine at codon 546 is replaced by threonine, an amino acid with similar properties. This amino acid position is conserved. In addition, this alteration is predicted to be deleterious by in silico analysis. Since supporting evidence is limited at this time, the clinical significance of this alteration remains unclear.